The following is an entry in ClinVar:

NM_000433.4(NCF2):c.298C>T (p.Gln100Ter)

Gene: NCF2 (neutrophil cytosolic factor 2; minus strand). Cytogenetic location: 1q25.3.
Variant type: single nucleotide variant.
Coding change: c.298C>T on transcript NM_000433.4 (MANE Select); coding-DNA position 298, C replaced by T.
Protein change: p.Gln100Ter; replaces glutamine 100 with a stop codon.
Molecular consequence: nonsense.
Genome position (GRCh38, 1-based): chr1:183,577,667, G>A on the plus strand (C>T on the coding strand, the complement: NCF2 is on the minus strand). VCF-style: chr1-183577667-G-A. GRCh37 (hg19) VCF-style: chr1-183546802-G-A.
Other names: c.298C>T, p.Gln100Ter (NM_001127651.3, NM_001190789.2, NM_001190794.2); short protein forms Q100*.
Identifiers: ClinVar variation 2244 (VCV000002244.17), dbSNP rs119103276, ClinGen allele CA115430.

ClinVar aggregate classification (germline): Pathogenic/Likely pathogenic. Review status: criteria provided, multiple submitters, no conflicts (2 of 4 stars). 5 submissions from 5 submitters: Pathogenic (3); Likely pathogenic (1). 1 of the submissions does not count toward it. Last evaluated 2026-01-11.

Conditions:
Granulomatous disease, chronic, autosomal recessive, cytochrome b-positive, type 2. Also called: Chronic granulomatous disease due to deficiency of NCF-2; CGD, AUTOSOMAL RECESSIVE CYTOCHROME b-POSITIVE, TYPE II; GRANULOMATOUS DISEASE, CHRONIC, AUTOSOMAL RECESSIVE, 2; GRANULOMATOUS DISEASE, CHRONIC, DUE TO NCF2 DEFICIENCY; Chronic Granulomatous Disease, Autosomal Recessive, Cytochrome b-Positive, Type II. Identifiers: Orphanet 379, MedGen C1856245, MONDO:0009310, OMIM 233710.

Allele frequency attached by ClinVar (database versions not stated): TOPMed 0.00001.
gnomAD v4.1: 40 of 1,613,960 alleles (0.0025%); highest among the groups gnomAD compares: Non-Finnish European, 0.0034%; no homozygotes.

Submissions (5):

Labcorp Genetics (formerly Invitae), Labcorp
Classification: Pathogenic for Granulomatous disease, chronic, autosomal recessive, cytochrome b-positive, type 2. Last evaluated: 2026-01-11. Review status: criteria provided, single submitter. Criteria: Invitae Variant Classification Sherloc (09022015). Collection method: clinical testing. Allele origin: germline.
Comment: This sequence change creates a premature translational stop signal (p.Gln100*) in the NCF2 gene. It is expected to result in an absent or disrupted protein product. Loss-of-function variants in NCF2 are known to be pathogenic (PMID: 10498624, 20167518). This variant is not present in population databases (gnomAD no frequency). This premature translational stop signal has been observed in individual(s) with chronic granulomatous disease (PMID: 10598813). ClinVar contains an entry for this variant (Variation ID: 2244). For these reasons, this variant has been classified as Pathogenic.

CeGaT Center for Human Genetics Tuebingen
Classification: Pathogenic. Last evaluated: 2025-09-01. Review status: criteria provided, single submitter. Criteria: CeGaT Center For Human Genetics Tuebingen Variant Classification Criteria Version 2. Collection method: clinical testing. Allele origin: germline. Affected: yes. Observed: 1 variant allele.
Comment: NCF2: PVS1, PM2

Fulgent Genetics
Classification: Likely pathogenic for Granulomatous disease, chronic, autosomal recessive, cytochrome b-positive, type 2. Last evaluated: 2024-05-14. Review status: criteria provided, single submitter. Criteria: ACMG Guidelines, 2015. Collection method: clinical testing. Allele origin: germline.

Revvity Omics, Revvity
Classification: Pathogenic for Granulomatous disease, chronic, autosomal recessive, cytochrome b-positive, type 2. Last evaluated: 2020-09-24. Review status: criteria provided, single submitter. Criteria: ACMG Guidelines, 2015. Collection method: clinical testing. Allele origin: germline.

OMIM
Classification: Pathogenic for GRANULOMATOUS DISEASE, CHRONIC, AUTOSOMAL RECESSIVE, 2. Last evaluated: 1999-11-01. Review status: no assertion criteria provided. Collection method: literature only. Allele origin: germline. Not counted in ClinVar's aggregate classification.

Literature cited by the submitters: PubMed 10498624 (cited by Labcorp Genetics (formerly Invitae), Labcorp); PubMed 20167518 (cited by Labcorp Genetics (formerly Invitae), Labcorp); PubMed 10598813 (cited by Labcorp Genetics (formerly Invitae), Labcorp and OMIM).